The following is an entry in ClinVar:

ClinVar aggregate classification (germline): Likely pathogenic (1 of 4 stars; one submission).

Conditions:
Long QT syndrome (LQTS). Identifiers: MedGen C0023976, MeSH D008133, MONDO:0002442. Disease mechanism: loss of function. Inheritance: Various modes of inheritance.

Submission:

Labcorp Genetics (formerly Invitae), Labcorp
Classification: Likely pathogenic for Long QT syndrome. Last evaluated: 2022-11-29. Review status: criteria provided, single submitter. Criteria: Invitae Variant Classification Sherloc (09022015). Collection method: clinical testing. Allele origin: germline.
Comment: Advanced modeling of protein sequence and biophysical properties (such as structural, functional, and spatial information, amino acid conservation, physicochemical variation, residue mobility, and thermodynamic stability) performed at Invitae indicates that this missense variant is expected to disrupt KCNQ1 protein function. This sequence change replaces glycine, which is neutral and non-polar, with tryptophan, which is neutral and slightly polar, at codon 325 of the KCNQ1 protein (p.Gly325Trp). This variant is not present in population databases (gnomAD no frequency). This missense change has been observed in individual(s) with clinical features of long QT syndrome (PMID: 23098067; Invitae). ClinVar contains an entry for this variant (Variation ID: 1449449). This variant disrupts the p.Gly325 amino acid residue in KCNQ1. Other variant(s) that disrupt this residue have been determined to be pathogenic (PMID: 21118729, 22456477, 22949429, 23000022, 23158531). This suggests that this residue is clinically significant, and that variants that disrupt this residue are likely to be disease-causing. In summary, the currently available evidence indicates that the variant is pathogenic, but additional data are needed to prove that conclusively. Therefore, this variant has been classified as Likely Pathogenic.

Literature cited by the submitters: PubMed 23098067; PubMed 21118729; PubMed 22456477; PubMed 22949429; PubMed 23000022; PubMed 23158531.

NM_000218.3(KCNQ1):c.973G>T (p.Gly325Trp)

Gene: KCNQ1 (potassium voltage-gated channel subfamily Q member 1; plus strand). Cytogenetic location: 11p15.5.
Variant type: single nucleotide variant.
Coding change: c.973G>T on transcript NM_000218.3 (MANE Select); coding-DNA position 973, G replaced by T.
Protein change: p.Gly325Trp; replaces glycine 325 with tryptophan.
Molecular consequence: missense variant.
Genome position (GRCh38, 1-based): chr11:2,583,486, G>T. VCF-style: chr11-2583486-G-T. GRCh37 (hg19) VCF-style: chr11-2604716-G-T.
Other names: c.973G>T, p.Gly325Trp (NM_001406836.1); c.703G>T, p.Gly235Trp (NM_001406837.1); c.529G>T, p.Gly177Trp (NM_001406838.1); c.592G>T, p.Gly198Trp (NM_181798.2); short protein forms G325W, G198W, G177W, G235W.
Identifiers: ClinVar variation 1449449 (VCV001449449.9), dbSNP rs199472756, ClinGen allele CA379133026.